The following is an entry in ClinVar:

GRCh37/hg19 1q21.2(chr1:149041023-149699396)x1

Genes: FAM72C (family with sequence similarity 72 member C; minus strand), PPIAL4C (peptidylprolyl isomerase A like 4C; plus strand), TRH-GTG2-1 (tRNA-His (GTG) 2-1). Cytogenetic location: 1q21.2.
Variant type: copy number loss.
Change: copy number 1 (one copy instead of two) of chr1:149,041,023-149,699,396 (658.4 kb, GRCh37 coordinates, 1-based), cytogenetic band 1q21.2.
Identifiers: ClinVar variation 146780 (VCV000146780.2).

ClinVar aggregate classification (germline): Benign/Likely benign (0 of 4 stars; one submission).

Submission:

ISCA site 4
Classification: Benign/Likely benign. Last evaluated: 2012-09-21. Review status: no assertion criteria provided. Collection method: clinical testing. Allele origin: unknown. Affected: yes. Observed: 2 variant alleles.
Comment: Likely benign (1), Benign (1)

Copy number variation identified through the course of routine clinical cytogenomic testing in postnatal populations, with clinical assertions as classified by the original submitter.